The following is an entry in ClinVar:

ClinVar aggregate classification (germline): Likely benign (0 of 4 stars; one submission).

Conditions:
KDM2B-related disorder. Also called: KDM2B-related condition.

Allele frequency attached by ClinVar (database versions not stated): gnomAD exomes 0.00001; ExAC 0.00003; gnomAD 0.00005; TOPMed 0.00005; ESP Exome Variant Server 0.00008.
gnomAD v4.1: 27 of 1,565,430 alleles (0.0017%); highest among the groups gnomAD compares: African/African-American, 0.004%; no homozygotes.

Submission:

PreventionGenetics, part of Exact Sciences
Classification: Likely benign for KDM2B-related condition. Last evaluated: 2019-04-30. Review status: no assertion criteria provided. Collection method: clinical testing. Allele origin: germline.
Comment: This variant is classified as likely benign based on ACMG/AMP sequence variant interpretation guidelines (Richards et al. 2015 PMID: 25741868, with internal and published modifications).

NM_032590.5(KDM2B):c.398-7C>T

Gene: KDM2B (lysine demethylase 2B; minus strand). Cytogenetic location: 12q24.31.
Variant type: single nucleotide variant.
Coding change: c.398-7C>T on transcript NM_032590.5 (MANE Select); 7 bases into the intron before coding-DNA position 398, C replaced by T.
Molecular consequence: intron variant.
Genome position (GRCh38, 1-based): chr12:121,549,645, G>A on the plus strand (C>T on the coding strand, the complement: KDM2B is on the minus strand). VCF-style: chr12-121549645-G-A. GRCh37 (hg19) VCF-style: chr12-121987550-G-A.
Other names: c.305-7C>T (NM_001005366.2).
Identifiers: ClinVar variation 3037316 (VCV003037316.2), dbSNP rs370728260, ClinGen allele CA6837211.